The following is an entry in ClinVar:

NM_001367561.1(DOCK7):c.4128del (p.Val1377fs)

Gene: DOCK7 (dedicator of cytokinesis 7; minus strand). Cytogenetic location: 1p31.3.
Variant type: Deletion.
Coding change: c.4128del on transcript NM_001367561.1 (MANE Select); coding-DNA position 4128, one base deleted (A; older notation c.4128delA).
Protein change: p.Val1377fs; shifts the reading frame from valine 1377.
Molecular consequence: frameshift variant.
Genome position (GRCh38, 1-based): chr1:62,513,598, T deleted on the plus strand (A on the coding strand, the reverse complement: DOCK7 is on the minus strand); the first of 6 consecutive T bases (chr1:62,513,598-62,513,603); deleting any one gives the same sequence. VCF-style (leftmost placement, unchanged base first): chr1-62513597-CT-C. GRCh37 (hg19) VCF-style: chr1-62979268-CT-C.
Other names: c.4128del, p.Val1377fs (NM_001271999.2, NM_001330614.2); c.4035del, p.Val1346fs (NM_001272000.2, NM_001272001.2, NM_033407.4); short protein forms V1346fs, V1377fs.
Identifiers: ClinVar variation 1453901 (VCV001453901.6), dbSNP rs2149340429, ClinGen allele CA645534419.
Genomic context (GRCh38, chr1:62,513,597, plus strand): 5'-CAAGCTTTGCTCTCATGTCTTTTGATTTCTTAAAGGTCAAGCTATTCATTCGTTCAAACA[CT>C]TTTTTCCCCTAAAATGTAAACATTAGAAGAGAAGAGGTATTGAGGAAATTTTCTTCTATT-3'

ClinVar aggregate classification (germline): Pathogenic (1 of 4 stars; one submission).

Conditions:
Developmental and epileptic encephalopathy, 23 (DEE23). Also called: Epileptic encephalopathy, early infantile, 23. Identifiers: Orphanet 411986, MedGen C4014492, MONDO:0014371, OMIM 615859.

Submission:

Labcorp Genetics (formerly Invitae), Labcorp
Classification: Pathogenic for Developmental and epileptic encephalopathy, 23. Last evaluated: 2021-04-19. Review status: criteria provided, single submitter. Criteria: Invitae Variant Classification Sherloc (09022015). Collection method: clinical testing. Allele origin: germline.
Comment: For these reasons, this variant has been classified as Pathogenic. This variant has not been reported in the literature in individuals with DOCK7-related conditions. This variant is not present in population databases (ExAC no frequency). This sequence change creates a premature translational stop signal (p.Val1377Cysfs*5) in the DOCK7 gene. It is expected to result in an absent or disrupted protein product. Loss-of-function variants in DOCK7 are known to be pathogenic (PMID: 24814191).

Literature cited by the submitters: PubMed 24814191.